The following is an entry in ClinVar:

NM_000138.5(FBN1):c.5546-279G>A

Gene: FBN1 (fibrillin 1; minus strand). Cytogenetic location: 15q21.1.
Variant type: single nucleotide variant.
Coding change: c.5546-279G>A on transcript NM_000138.5 (MANE Select); 279 bases into the intron before coding-DNA position 5546, G replaced by A.
Molecular consequence: intron variant.
Genome position (GRCh38, 1-based): chr15:48,449,172, C>T on the plus strand (G>A on the coding strand, the complement: FBN1 is on the minus strand). VCF-style: chr15-48449172-C-T. GRCh37 (hg19) VCF-style: chr15-48741369-C-T.
Identifiers: ClinVar variation 668564 (VCV000668564.1), dbSNP rs112898751, ClinGen allele CA14170161.

ClinVar aggregate classification (germline): Likely benign (1 of 4 stars; one submission).

Allele frequency attached by ClinVar (database versions not stated): gnomAD 0.01772; TOPMed 0.02419; 1000 Genomes Project 30x 0.04029; 1000 Genomes Project 0.04253.
gnomAD v4.1: 3,328 of 152,070 alleles (2.2%); highest among the groups gnomAD compares: East Asian, 8.3%; 69 homozygotes.

Submission:

GeneDx
Classification: Likely benign. Last evaluated: 2018-06-14. Review status: criteria provided, single submitter. Criteria: GeneDx Variant Classification (06012015). Collection method: clinical testing. Allele origin: germline. Affected: yes.
Comment: This variant is considered likely benign or benign based on one or more of the following criteria: it is a conservative change, it occurs at a poorly conserved position in the protein, it is predicted to be benign by multiple in silico algorithms, and/or has population frequency not consistent with disease.